The following is an entry in ClinVar:

NM_001244008.2(KIF1A):c.3851A>C (p.His1284Pro)

Genes: KIF1A (kinesin family member 1A; minus strand), LOC126806583 (P300/CBP strongly-dependent group 1 enhancer GRCh37_chr2:241678910-241680109; plus strand). Cytogenetic location: 2q37.3.
Variant type: single nucleotide variant.
Coding change: c.3851A>C on transcript NM_001244008.2 (MANE Select); coding-DNA position 3851, A replaced by C.
Protein change: p.His1284Pro; replaces histidine 1284 with proline.
Molecular consequence: missense variant.
Genome position (GRCh38, 1-based): chr2:240,740,108, T>G on the plus strand (A>C on the coding strand, the complement: KIF1A is on the minus strand). VCF-style: chr2-240740108-T-G. GRCh37 (hg19) VCF-style: chr2-241679525-T-G.
Other names: c.3575A>C, p.His1192Pro (NM_001320705.2, NM_001330289.2, NM_001379638.1); c.3650A>C, p.His1217Pro (NM_001330290.2, NM_001379634.1, NM_001379635.1 and 1 more transcripts); c.3926A>C, p.His1309Pro (NM_001379631.1); c.3800A>C, p.His1267Pro (NM_001379632.1); c.3824A>C, p.His1275Pro (NM_001379633.1, NM_001379642.1, NM_001379645.1); c.3548A>C, p.His1183Pro (NM_001379636.1, NM_001379639.1, NM_001379641.1 and 6 more transcripts); c.3623A>C, p.His1208Pro (NM_001379637.1, NM_001379648.1); c.3545A>C, p.His1182Pro (NM_001379640.1); short protein forms H1183P, H1192P, H1267P, H1182P, H1275P, H1284P, H1309P, H1208P.
Identifiers: ClinVar variation 2090033 (VCV002090033.4), dbSNP rs2537142811, ClinGen allele CA351314450.

ClinVar aggregate classification (germline): Uncertain significance (1 of 4 stars; one submission).

Conditions:
Neuropathy, hereditary sensory, type 2C. Also called: Hereditary sensory and autonomic neuropathy type IIC; KIF1A-Related HSAN2 (HSAN2C). Identifiers: Orphanet 970, MedGen C3280168, MONDO:0013634, OMIM 614213.
Intellectual disability, autosomal dominant 9 (NESCAVS). Also called: NESCAV SYNDROME; KIF1A-Related Neurodevelopmental Disorder. Identifiers: Orphanet 662367, MedGen C5393830, MONDO:0013656, OMIM 614255.
Hereditary spastic paraplegia 30. Identifiers: Orphanet 101010, MedGen C5235139, MONDO:0012476.

Submission:

Labcorp Genetics (formerly Invitae), Labcorp
Classification: Uncertain significance for Hereditary spastic paraplegia 30; Neuropathy, hereditary sensory, type 2C; Intellectual disability, autosomal dominant 9. Last evaluated: 2022-06-21. Review status: criteria provided, single submitter. Criteria: Invitae Variant Classification Sherloc (09022015). Collection method: clinical testing. Allele origin: germline.
Comment: Advanced modeling of protein sequence and biophysical properties (such as structural, functional, and spatial information, amino acid conservation, physicochemical variation, residue mobility, and thermodynamic stability) performed at Invitae indicates that this missense variant is not expected to disrupt KIF1A protein function. This variant has not been reported in the literature in individuals affected with KIF1A-related conditions. This variant is not present in population databases (gnomAD no frequency). This sequence change replaces histidine, which is basic and polar, with proline, which is neutral and non-polar, at codon 1183 of the KIF1A protein (p.His1183Pro). In summary, the available evidence is currently insufficient to determine the role of this variant in disease. Therefore, it has been classified as a Variant of Uncertain Significance.